The following is an entry in ClinVar:

NM_001102608.3(COL6A6):c.6237G>A (p.Leu2079=)

Gene: COL6A6 (collagen type VI alpha 6 chain; plus strand). Cytogenetic location: 3q22.1.
Variant type: single nucleotide variant.
Coding change: c.6237G>A on transcript NM_001102608.3 (MANE Select); coding-DNA position 6237, G replaced by A.
Protein change: p.Leu2079=; no amino-acid change (leucine 2079 retained).
Molecular consequence: synonymous variant.
Genome position (GRCh38, 1-based): chr3:130,662,043, G>A. VCF-style: chr3-130662043-G-A. GRCh37 (hg19) VCF-style: chr3-130380887-G-A.
Identifiers: ClinVar variation 2654144 (VCV002654144.24), dbSNP rs373347732, ClinGen allele CA2613619.

ClinVar aggregate classification (germline): Likely benign (1 of 4 stars; one submission).

Allele frequency attached by ClinVar (database versions not stated): gnomAD exomes 0.00037; gnomAD 0.00038; ExAC 0.00043; ESP Exome Variant Server 0.00050; TOPMed 0.00050.
gnomAD v4.1: 613 of 1,614,004 alleles (0.038%); highest among the groups gnomAD compares: Middle Eastern, 0.91%; 4 homozygotes.

Submission:

CeGaT Center for Human Genetics Tuebingen
Classification: Likely benign. Last evaluated: 2022-06-01. Review status: criteria provided, single submitter. Criteria: CeGaT Center For Human Genetics Tuebingen Variant Classification Criteria Version 2. Collection method: clinical testing. Allele origin: germline. Affected: yes. Observed: 1 variant allele.
Comment: COL6A6: BP4, BP7